The following is an entry in ClinVar:

ClinVar aggregate classification (germline): Uncertain significance. Review status: criteria provided, multiple submitters, no conflicts (2 of 4 stars). 7 submissions from 7 submitters: Uncertain significance (7). Last evaluated 2025-08-25.

Conditions:
Fraser syndrome 2 (FRASRS2). Identifiers: MedGen C4540036, MONDO:0054738, OMIM 617666.
Isolated cryptophthalmia. Also called: Cryptophthalmos, unilateral or bilateral, isolated; ANKYLOBLEPHARON, SIMPLE. Identifiers: Orphanet 91396, MedGen C1852453, MONDO:0007410, OMIM 123570.
Inborn genetic diseases. Identifiers: MedGen C0950123, MeSH D030342.

Allele frequency attached by ClinVar (database versions not stated): ESP Exome Variant Server 0.00054; gnomAD exomes 0.00062; gnomAD 0.00051; 1000 Genomes Project 0.00060; 1000 Genomes Project 30x 0.00078; ExAC 0.00060; TOPMed 0.00046.
gnomAD v4.1: 956 of 1,604,442 alleles (0.06%); highest among the groups gnomAD compares: Middle Eastern, 0.23%; 3 homozygotes.

Submissions (7):

Ambry Genetics
Classification: Uncertain significance for Inborn genetic diseases. Last evaluated: 2025-08-25. Review status: criteria provided, single submitter. Criteria: Ambry Variant Classification Scheme 2023. Collection method: clinical testing. Allele origin: germline.

Blueprint Genetics
Classification: Uncertain significance. Last evaluated: 2024-11-22. Review status: criteria provided, single submitter. Criteria: ACMG Guidelines, 2015. Collection method: clinical testing. Allele origin: germline.

GeneDx
Classification: Uncertain significance. Last evaluated: 2024-11-22. Review status: criteria provided, single submitter. Criteria: GeneDx Variant Classification Process June 2021. Collection method: clinical testing. Allele origin: germline.
Comment: In silico analysis supports that this missense variant has a deleterious effect on protein structure/function; Has not been previously published as pathogenic or benign to our knowledge; This variant is associated with the following publications: (PMID: Mambueni_2022[Thesis])

Labcorp Genetics (formerly Invitae), Labcorp
Classification: Uncertain significance. Last evaluated: 2022-10-06. Review status: criteria provided, single submitter. Criteria: Invitae Variant Classification Sherloc (09022015). Collection method: clinical testing. Allele origin: germline.
Comment: This sequence change replaces alanine, which is neutral and non-polar, with valine, which is neutral and non-polar, at codon 1664 of the FREM2 protein (p.Ala1664Val). This variant is present in population databases (rs149779771, gnomAD 0.1%), and has an allele count higher than expected for a pathogenic variant. This variant has not been reported in the literature in individuals affected with FREM2-related conditions. ClinVar contains an entry for this variant (Variation ID: 882689). Advanced modeling of protein sequence and biophysical properties (such as structural, functional, and spatial information, amino acid conservation, physicochemical variation, residue mobility, and thermodynamic stability) performed at Invitae indicates that this missense variant is not expected to disrupt FREM2 protein function. In summary, the available evidence is currently insufficient to determine the role of this variant in disease. Therefore, it has been classified as a Variant of Uncertain Significance.

Department of Pathology and Laboratory Medicine, Sinai Health System
Classification: Uncertain significance for Isolated cryptophthalmia; Fraser syndrome 2. Last evaluated: 2022-04-12. Review status: criteria provided, single submitter. Criteria: ACMG Guidelines, 2015. Collection method: research. Allele origin: germline.

Illumina Laboratory Services, Illumina
Classification: Uncertain significance for Fraser syndrome 2. Last evaluated: 2018-01-12. Review status: criteria provided, single submitter. Criteria: ICSL Variant Classification Criteria 13 December 2019. Collection method: clinical testing. Allele origin: germline.

Breakthrough Genomics
Classification: Uncertain significance. Review status: criteria provided, single submitter. Criteria: ACMG Guidelines, 2015. Collection method: not provided. Allele origin: germline. Inheritance: Autosomal recessive inheritance. Affected: yes.

Literature cited by the submitters: PubMed 37353797 (cited by Ambry Genetics).

NM_207361.6(FREM2):c.4991C>T (p.Ala1664Val)

Gene: FREM2 (FRAS1 related extracellular matrix 2; plus strand). Cytogenetic location: 13q13.3.
Variant type: single nucleotide variant.
Coding change: c.4991C>T on transcript NM_207361.6 (MANE Select); coding-DNA position 4991, C replaced by T.
Protein change: p.Ala1664Val; replaces alanine 1664 with valine.
Molecular consequence: missense variant.
Genome position (GRCh38, 1-based): chr13:38,692,335, C>T. VCF-style: chr13-38692335-C-T. GRCh37 (hg19) VCF-style: chr13-39266472-C-T.
Other names: short protein forms A1664V.
Identifiers: ClinVar variation 882689 (VCV000882689.10), dbSNP rs149779771, ClinGen allele CA6955113.